The following is an entry in ClinVar:

NM_213720.3(CHCHD10):c.335del (p.Cys112fs)

Gene: CHCHD10 (coiled-coil-helix-coiled-coil-helix domain containing 10; minus strand). Cytogenetic location: 22q11.23.
Variant type: Deletion.
Coding change: c.335del on transcript NM_213720.3 (MANE Select); coding-DNA position 335, one base deleted (G; older notation c.335delG).
Protein change: p.Cys112fs; shifts the reading frame from cysteine 112.
Molecular consequence: frameshift variant. On other transcripts: non-coding transcript variant (2).
Genome position (GRCh38, 1-based): chr22:23,766,202, C deleted on the plus strand (G on the coding strand, the reverse complement: CHCHD10 is on the minus strand). VCF-style (leftmost placement, unchanged base first): chr22-23766201-AC-A. GRCh37 (hg19) VCF-style: chr22-24108388-AC-A.
Other names: c.356del, p.Cys119fs (NM_001301339.2); short protein forms C112fs, C119fs.
Identifiers: ClinVar variation 1683416 (VCV001683416.1), dbSNP rs1926784873, ClinGen allele CA2397948416.

ClinVar aggregate classification (germline): Uncertain significance (1 of 4 stars; one submission).

Submission:

Women's Health and Genetics/Laboratory Corporation of America, LabCorp
Classification: Uncertain significance. Last evaluated: 2022-04-29. Review status: criteria provided, single submitter. Criteria: LabCorp Variant Classification Summary - May 2015. Collection method: clinical testing. Allele origin: germline.
Comment: Variant summary: CHCHD10 c.335delG (p.Cys112PhefsX18) results in a premature termination codon, predicted to cause a truncation of the encoded protein or absence of the protein due to nonsense mediated decay. The variant was absent in 241306 control chromosomes (gnomAD). The available data on variant occurrences in the general population are insufficient to allow any conclusion about variant significance. To our knowledge, no occurrence of c.335delG in individuals affected with CHCHD10-Related Disorders and no experimental evidence demonstrating its impact on protein function have been reported. No clinical diagnostic laboratories have submitted clinical-significance assessments for this variant to ClinVar after 2014. Based on the evidence outlined above, the variant was classified as uncertain significance.